The following is an entry in ClinVar:

ClinVar aggregate classification (germline): Uncertain significance (1 of 4 stars; one submission).

Allele frequency attached by ClinVar (database versions not stated): gnomAD 0.00001.
gnomAD v4.1: 1 of 1,614,008 alleles (0.000062%); highest among the groups gnomAD compares: East Asian, 0.0022%; no homozygotes.

Submission:

Labcorp Genetics (formerly Invitae), Labcorp
Classification: Uncertain significance. Last evaluated: 2024-01-22. Review status: criteria provided, single submitter. Criteria: Invitae Variant Classification Sherloc (09022015). Collection method: clinical testing. Allele origin: germline.
Comment: This sequence change replaces alanine, which is neutral and non-polar, with valine, which is neutral and non-polar, at codon 466 of the ACBD5 protein (p.Ala466Val). This variant is present in population databases (no rsID available, gnomAD 0.06%). This variant has not been reported in the literature in individuals affected with ACBD5-related conditions. ClinVar contains an entry for this variant (Variation ID: 1017374). Advanced modeling of protein sequence and biophysical properties (such as structural, functional, and spatial information, amino acid conservation, physicochemical variation, residue mobility, and thermodynamic stability) performed at Invitae indicates that this missense variant is not expected to disrupt ACBD5 protein function with a negative predictive value of 80%. In summary, the available evidence is currently insufficient to determine the role of this variant in disease. Therefore, it has been classified as a Variant of Uncertain Significance.

NM_145698.5(ACBD5):c.1397C>T (p.Ala466Val)

Gene: ACBD5 (acyl-CoA binding domain containing 5; minus strand). Cytogenetic location: 10p12.1.
Variant type: single nucleotide variant.
Coding change: c.1397C>T on transcript NM_145698.5 (MANE Select); coding-DNA position 1397, C replaced by T.
Protein change: p.Ala466Val; replaces alanine 466 with valine.
Molecular consequence: missense variant.
Genome position (GRCh38, 1-based): chr10:27,208,253, G>A on the plus strand (C>T on the coding strand, the complement: ACBD5 is on the minus strand). VCF-style: chr10-27208253-G-A. GRCh37 (hg19) VCF-style: chr10-27497182-G-A.
Other names: c.1292C>T, p.Ala431Val (NM_001042473.4, NM_001352577.2, NM_001352578.2 and 1 more transcripts); c.1391C>T, p.Ala464Val (NM_001271512.3); c.1070C>T, p.Ala357Val (NM_001301251.2, NM_001301252.2, NM_001301253.2 and 2 more transcripts); c.866C>T, p.Ala289Val (NM_001301254.2); c.1451C>T, p.Ala484Val (NM_001352568.1); c.1430C>T, p.Ala477Val (NM_001352569.1); c.1397C>T, p.Ala466Val (NM_001352570.1); c.1424C>T, p.Ala475Val (NM_001352571.1); and 10 more; short protein forms A289V, A357V, A363V, A368V, A396V, A398V, A407V, A409V.
Identifiers: ClinVar variation 1017374 (VCV001017374.8), dbSNP rs1349490446, ClinGen allele CA376373014.